The following is an entry in ClinVar:

NM_022575.4(VPS16):c.436del (p.Ile146fs)

Gene: VPS16 (VPS16 core subunit of CORVET and HOPS complexes; plus strand). Cytogenetic location: 20p13.
Variant type: Deletion.
Coding change: c.436del on transcript NM_022575.4 (MANE Select); coding-DNA position 436, one base deleted (A; older notation c.436delA).
Protein change: p.Ile146fs; shifts the reading frame from isoleucine 146.
Molecular consequence: frameshift variant.
Genome position (GRCh38, 1-based): chr20:2,860,515, A deleted. VCF-style (leftmost placement, unchanged base first): chr20-2860514-CA-C. GRCh37 (hg19) VCF-style: chr20-2841160-CA-C.
Other names: c.436del, p.Ile146fs (NM_080413.3); short protein forms I146fs.
Identifiers: ClinVar variation 3905371 (VCV003905371.10).

ClinVar aggregate classification (germline): Pathogenic (1 of 4 stars; one submission).

Submission:

CeGaT Center for Human Genetics Tuebingen
Classification: Pathogenic. Last evaluated: 2025-04-01. Review status: criteria provided, single submitter. Criteria: CeGaT Center For Human Genetics Tuebingen Variant Classification Criteria Version 2. Collection method: clinical testing. Allele origin: germline. Affected: yes. Observed: 1 variant allele.
Comment: VPS16: PVS1, PM2, PS4:Supporting